The following is an entry in ClinVar:

ClinVar aggregate classification (germline): Uncertain significance (1 of 4 stars; one submission).

Conditions:
Hypertrophic cardiomyopathy. Also called: HYPERTROPHIC MYOCARDIOPATHY. Identifiers: Orphanet 217569, MedGen C0007194, MeSH D002312, MONDO:0005045, HP:0001639.

Submission:

All of Us Research Program, National Institutes of Health
Classification: Uncertain significance for Hypertrophic cardiomyopathy. Last evaluated: 2023-12-01. Review status: criteria provided, single submitter. Criteria: ACMG Guidelines, 2015. Collection method: clinical testing. Allele origin: germline. Inheritance: Autosomal dominant inheritance. Observed: 1 variant allele, 1 heterozygote.
Comment: This study involves interpretation of variants in research participants for the purpose of population health screening. Participant phenotype was not available at the time of variant classification. Additional details can be found in publication PMID: 35346344, PMCID: PMC8962531

NM_016203.4(PRKAG2):c.316T>G (p.Phe106Val)

Gene: PRKAG2 (protein kinase AMP-activated non-catalytic subunit gamma 2; minus strand). Cytogenetic location: 7q36.1.
Variant type: single nucleotide variant.
Coding change: c.316T>G on transcript NM_016203.4 (MANE Select); coding-DNA position 316, T replaced by G.
Protein change: p.Phe106Val; replaces phenylalanine 106 with valine.
Molecular consequence: missense variant. On other transcripts: intron variant (1).
Genome position (GRCh38, 1-based): chr7:151,781,302, A>C on the plus strand (T>G on the coding strand, the complement: PRKAG2 is on the minus strand). VCF-style: chr7-151781302-A-C. GRCh37 (hg19) VCF-style: chr7-151478388-A-C.
Other names: c.184T>G, p.Phe62Val (NM_001040633.2, NM_001407024.1, NM_001407026.1 and 2 more transcripts); c.316T>G, p.Phe106Val (NM_001407021.1, NM_001407022.1, NM_001407023.1 and 2 more transcripts); c.148+33114T>G (NM_001407032.1); short protein forms F106V, F62V.
Identifiers: ClinVar variation 3074040 (VCV003074040.1), dbSNP rs2537922462, ClinGen allele CA370069689.
Genomic context (GRCh38, chr7:151,781,302, plus strand): 5'-TCCCACTGAAGCTCATGCGTCGAGGGGAGCGTGGCGGGGACTCCTGGTAGGAGAACGGGA[A>C]CACGGTTTTGGGAGAGCCGGGGCTGGTCTTGGGCCTCACAGGTGCAGACATGGGGCTGGA-3'
Protein context (NP_057287.2, residues 96-116): KTSPGSPKTV[Phe106Val]PFSYQESPPR